The following is an entry in ClinVar:

ClinVar aggregate classification (germline): Likely benign (1 of 4 stars; one submission).

Allele frequency attached by ClinVar (database versions not stated): TOPMed 0.00052; gnomAD 0.00060; gnomAD exomes 0.00079.
gnomAD v4.1: 288 of 398,500 alleles (0.072%); highest among the groups gnomAD compares: South Asian, 0.14%; 1 homozygote.

Submission:

CeGaT Center for Human Genetics Tuebingen
Classification: Likely benign. Last evaluated: 2026-07-01. Review status: criteria provided, single submitter. Criteria: CeGaT Center For Human Genetics Tuebingen Variant Classification Criteria Version 2. Collection method: clinical testing. Allele origin: germline. Affected: yes. Observed: 14 variant alleles.
Comment: KCNQ1OT1: BS1

NM_000218.3(KCNQ1):c.1514+4162A>G

Genes: KCNQ1 (potassium voltage-gated channel subfamily Q member 1; plus strand), KCNQ1OT1 (KCNQ1 opposite strand/antisense transcript 1; minus strand). Cytogenetic location: 11p15.5.
Variant type: single nucleotide variant.
Coding change: c.1514+4162A>G on transcript NM_000218.3 (MANE Select); 4162 bases into the intron after coding-DNA position 1514, A replaced by G.
Molecular consequence: intron variant. On other transcripts: non-coding transcript variant (1).
Genome position (GRCh38, 1-based): chr11:2,666,243, A>G. VCF-style: chr11-2666243-A-G. GRCh37 (hg19) VCF-style: chr11-2687473-A-G.
Other names: c.1244+4162A>G (NM_001406837.1); c.1418+4162A>G (NM_001406836.1); c.974+4162A>G (NM_001406838.1); c.1133+4162A>G (NM_181798.2).
Identifiers: ClinVar variation 2641458 (VCV002641458.24), dbSNP rs563855389, ClinGen allele CA216174649.